The following is an entry in ClinVar:

NM_001276270.2(MBD4):c.1681C>T (p.His561Tyr)

Gene: MBD4 (methyl-CpG binding domain 4, DNA glycosylase; minus strand). Cytogenetic location: 3q21.3.
Variant type: single nucleotide variant.
Coding change: c.1681C>T on transcript NM_001276270.2 (MANE Select); coding-DNA position 1681, C replaced by T.
Protein change: p.His561Tyr; replaces histidine 561 with tyrosine.
Molecular consequence: missense variant. On other transcripts: 3 prime UTR variant (1).
Genome position (GRCh38, 1-based): chr3:129,431,545, G>A on the plus strand (C>T on the coding strand, the complement: MBD4 is on the minus strand). VCF-style: chr3-129431545-G-A. GRCh37 (hg19) VCF-style: chr3-129150388-G-A.
Other names: c.745C>T, p.His249Tyr (NM_001276273.2); c.1699C>T, p.His567Tyr (NM_003925.3); c.*23C>T (NM_001276272.2); short protein forms H249Y, H561Y, H567Y.
Identifiers: ClinVar variation 2830574 (VCV002830574.4), dbSNP rs866885944, ClinGen allele CA82626503.

ClinVar aggregate classification (germline): Uncertain significance. Review status: criteria provided, multiple submitters, no conflicts (2 of 4 stars). 2 submissions from 2 submitters: Uncertain significance (2). Last evaluated 2025-04-17.

Conditions:
Inborn genetic diseases. Identifiers: MedGen C0950123, MeSH D030342.

Allele frequency attached by ClinVar (database versions not stated): gnomAD exomes below 0.00001; TOPMed below 0.00001; gnomAD 0.00001.
gnomAD v4.1: 3 of 1,613,134 alleles (0.00019%); highest among the groups gnomAD compares: Non-Finnish European, 0.00025%; no homozygotes.

Submissions (2):

Ambry Genetics
Classification: Uncertain significance for Inborn genetic diseases. Last evaluated: 2025-04-17. Review status: criteria provided, single submitter. Criteria: Ambry Variant Classification Scheme 2023. Collection method: clinical testing. Allele origin: germline.
Comment: The p.H561Y variant (also known as c.1681C>T), located in coding exon 8 of the MBD4 gene, results from a C to T substitution at nucleotide position 1681. The histidine at codon 561 is replaced by tyrosine, an amino acid with similar properties. This amino acid position is conserved. In addition, the in silico prediction for this alteration is inconclusive. Based on the available evidence, the clinical significance of this variant remains unclear.

Labcorp Genetics (formerly Invitae), Labcorp
Classification: Uncertain significance. Last evaluated: 2024-10-16. Review status: criteria provided, single submitter. Criteria: Invitae Variant Classification Sherloc (09022015). Collection method: clinical testing. Allele origin: germline.
Comment: This sequence change replaces histidine, which is basic and polar, with tyrosine, which is neutral and polar, at codon 567 of the MBD4 protein (p.His567Tyr). This variant is not present in population databases (gnomAD no frequency). This variant has not been reported in the literature in individuals affected with MBD4-related conditions. An algorithm developed to predict the effect of missense changes on protein structure and function (PolyPhen-2) suggests that this variant is likely to be disruptive. In summary, the available evidence is currently insufficient to determine the role of this variant in disease. Therefore, it has been classified as a Variant of Uncertain Significance.